The following is an entry in ClinVar:

ClinVar aggregate classification (germline): Uncertain significance (1 of 4 stars; one submission).

Conditions:
Long QT syndrome (LQTS). Identifiers: MedGen C0023976, MeSH D008133, MONDO:0002442. Disease mechanism: loss of function. Inheritance: Various modes of inheritance.

Submission:

Labcorp Genetics (formerly Invitae), Labcorp
Classification: Uncertain significance for Long QT syndrome. Last evaluated: 2024-02-29. Review status: criteria provided, single submitter. Criteria: Invitae Variant Classification Sherloc (09022015). Collection method: clinical testing. Allele origin: germline.
Comment: This variant, c.856_870del, results in the deletion of 5 amino acid(s) of the KCNH2 protein (p.Asp286_Ala290del), but otherwise preserves the integrity of the reading frame. This variant is not present in population databases (gnomAD no frequency). This variant has not been reported in the literature in individuals affected with KCNH2-related conditions. Experimental studies and prediction algorithms are not available or were not evaluated, and the functional significance of this variant is currently unknown. In summary, the available evidence is currently insufficient to determine the role of this variant in disease. Therefore, it has been classified as a Variant of Uncertain Significance.

NM_000238.4(KCNH2):c.856_870del (p.Asp286_Ala290del)

Gene: KCNH2 (potassium voltage-gated channel subfamily H member 2; minus strand). Cytogenetic location: 7q36.1.
Variant type: Deletion.
Coding change: c.856_870del on transcript NM_000238.4 (MANE Select); coding-DNA positions 856 to 870, 15 bases deleted (GACGACATCGAGGCC).
Protein change: p.Asp286_Ala290del.
Molecular consequence: non-coding transcript variant (on NR_176254.1).
Genome position (GRCh38, 1-based): chr7:150,958,105-150,958,119, GGCCTCGATGTCGTC deleted on the plus strand (GACGACATCGAGGCC on the coding strand, the reverse complement: KCNH2 is on the minus strand); deleting any 15 consecutive bases within chr7:150,958,105-150,958,123 gives the same sequence; the c. name uses the placement nearest the transcript's 3' end. VCF-style (leftmost placement, unchanged base first): chr7-150958104-TGGCCTCGATGTCGTC-T. GRCh37 (hg19) VCF-style: chr7-150655192-TGGCCTCGATGTCGTC-T.
Other names: c.568_582del, p.Asp190_Ala194del (NM_001406753.1, NM_001406756.1); c.679_693del, p.Asp227_Ala231del (NM_001406755.1); c.556_570del, p.Asp186_Ala190del (NM_001406757.1); c.856_870del, p.Asp286_Ala290del (NM_172056.3).
Identifiers: ClinVar variation 3713124 (VCV003713124.2).